The following is an entry in ClinVar:

ClinVar aggregate classification (germline): Pathogenic (1 of 4 stars; one submission).

Conditions:
Neurofibromatosis, type 1 (NF1). Also called: VON RECKLINGHAUSEN DISEASE; NEUROFIBROMATOSIS, TYPE I, SOMATIC; Peripheral type neurofibromatosis; Neurofibromatosis, type I. Identifiers: Orphanet 636, MedGen C0027831, MONDO:0018975, OMIM 162200. Disease mechanism: loss of function.

Submission:

Labcorp Genetics (formerly Invitae), Labcorp
Classification: Pathogenic for Neurofibromatosis, type 1. Last evaluated: 2024-10-09. Review status: criteria provided, single submitter. Criteria: Invitae Variant Classification Sherloc (09022015). Collection method: clinical testing. Allele origin: germline.
Comment: This sequence change inserts a large fragment of DNA, likely a transposable element, in exon 37 of the NF1 gene (c.5273_5274ins?), causing a frameshift at codon 1758 (p.Leu1758fs). The exact size and sequence of the insertion cannot be determined by the current assay. However, the insertion is expected to result in an absent or disrupted protein product. This variant is not present in population databases (gnomAD no frequency). This variant has not been reported in the literature in individuals affected with NF1-related conditions. Retrotransposon insertions including LINE1 (L1), Alu, and SVA (SINE-VNTR-Alu) have been reported to be disease-causing through disruption of either a coding region or splice site (PMID: 19763152, 20307669, 22406018) and loss-of-function variants in NF1 are known to be pathogenic (PMID: 10712197, 23913538). For these reasons, this variant has been classified as Pathogenic.

Literature cited by the submitters: PubMed 19763152; PubMed 20307669; PubMed 22406018; PubMed 10712197; PubMed 23913538.

NM_001042492.3(NF1):c.5336_5337insTTTTTTTTTTTTTTTTTTTTNNNNNNNNNNCCTCGTGATCCGCCCGCCTCGGCCTCCCAAAGTGCTGGGATTACAGGCGTGAGCCACCGCGCCCGGCCGGCAATCAGTCTTTCT (p.Leu1779_Asn1780insPhePhePhePhePhePheXaaXaaXaaXaaLeuValIleArgProProArgProProLysValLeuGlyLeuGlnAlaTer)

Gene: NF1 (neurofibromin 1; plus strand). Cytogenetic location: 17q11.2.
Variant type: Insertion.
Coding change: c.5336_5337insTTTTTTTTTTTTTTTTTTTTNNNNNNNNNNCCTCGTGATCCGCCCGCCTCGGCCTCCCAAAGTGCTGGGATTACAGGCGTGAGCCACCGCGCCCGGCCGGCAATCAGTCTTTCT on transcript NM_001042492.3 (MANE Select); coding-DNA positions 5336 to 5337, TTTTTTTTTTTTTTTTTTTTNNNNNNNNNNCCTCGTGATCCGCCCGCCTCGGCCTCCCAAAGTGCTGGGATTACAGGCGTGAGCCACCGCGCCCGGCCGGCAATCAGTCTTTCT inserted.
Protein change: p.Leu1779_Asn1780insPhePhePhePhePhePheXaaXaaXaaXaaLeuValIleArgProProArgProProLysValLeuGlyLeuGlnAlaTer.
Molecular consequence: nonsense, inframe insertion.
Genome position: GRCh38: chr17:31,327,566-31,327,567. GRCh37 (hg19): chr17:29,654,584-29,654,585.
Other names: c.5273_5274insTTTTTTTTTTTTTTTTTTTTNNNNNNNNNNCCTCGTGATCCGCCCGCCTCGGCCTCCCAAAGTGCTGGGATTACAGGCGTGAGCCACCGCGCCCGGCCGGCAATCAGTCTTTCT, p.Asn1759_Thr2092delinsPhePhePhePhePhePheXaaXaaXaaXaaLeuValIleArgProProArgProProLysValLeuGlyLeuGlnAlaTer (NM_000267.4).
Identifiers: ClinVar variation 3722589 (VCV003722589.2).